The following is an entry in ClinVar:

NM_020821.3(VPS13C):c.8030C>T (p.Pro2677Leu)

Gene: VPS13C (vacuolar protein sorting 13 homolog C; minus strand). Cytogenetic location: 15q22.2.
Variant type: single nucleotide variant.
Coding change: c.8030C>T on transcript NM_020821.3 (MANE Select); coding-DNA position 8030, C replaced by T.
Protein change: p.Pro2677Leu; replaces proline 2677 with leucine.
Molecular consequence: missense variant.
Genome position (GRCh38, 1-based): chr15:61,917,366, G>A on the plus strand (C>T on the coding strand, the complement: VPS13C is on the minus strand). VCF-style: chr15-61917366-G-A. GRCh37 (hg19) VCF-style: chr15-62209565-G-A.
Other names: c.8030C>T, p.Pro2677Leu (NM_001018088.3); c.7901C>T, p.Pro2634Leu (NM_017684.5, NM_018080.4); short protein forms P2677L, P2634L.
Identifiers: ClinVar variation 2891929 (VCV002891929.3), dbSNP rs2547874609, ClinGen allele CA392679052.

ClinVar aggregate classification (germline): Uncertain significance (1 of 4 stars; one submission).

Submission:

Labcorp Genetics (formerly Invitae), Labcorp
Classification: Uncertain significance. Last evaluated: 2023-09-05. Review status: criteria provided, single submitter. Criteria: Invitae Variant Classification Sherloc (09022015). Collection method: clinical testing. Allele origin: germline.
Comment: In summary, the available evidence is currently insufficient to determine the role of this variant in disease. Therefore, it has been classified as a Variant of Uncertain Significance. Advanced modeling of protein sequence and biophysical properties (such as structural, functional, and spatial information, amino acid conservation, physicochemical variation, residue mobility, and thermodynamic stability) performed at Invitae indicates that this missense variant is expected to disrupt VPS13C protein function. This variant has not been reported in the literature in individuals affected with VPS13C-related conditions. This variant is not present in population databases (gnomAD no frequency). This sequence change replaces proline, which is neutral and non-polar, with leucine, which is neutral and non-polar, at codon 2677 of the VPS13C protein (p.Pro2677Leu).